The following is an entry in ClinVar:

ClinVar aggregate classification (germline): Benign/Likely benign. Review status: criteria provided, multiple submitters, no conflicts (2 of 4 stars). 2 submissions from 2 submitters: Benign (1); Likely benign (1). Last evaluated 2024-06-12.

Allele frequency attached by ClinVar (database versions not stated): gnomAD 0.00364 and 0.00336; TOPMed 0.00368; ExAC 0.00122; 1000 Genomes Project 0.00240; ESP Exome Variant Server 0.00431; gnomAD exomes 0.00036 and 0.00102; 1000 Genomes Project 30x 0.00203.
gnomAD v4.1: 1,062 of 1,614,182 alleles (0.066%); highest among the groups gnomAD compares: African/African-American, 1.2%; 3 homozygotes.

Submissions (2):

Mayo Clinic Laboratories, Mayo Clinic
Classification: Likely benign. Last evaluated: 2024-06-12. Review status: criteria provided, single submitter. Criteria: ACMG Guidelines, 2015. Collection method: clinical testing. Allele origin: germline. Observed: 2 variant alleles.
Comment: BS3, BP4, PM1_supporting

Labcorp Genetics (formerly Invitae), Labcorp
Classification: Benign. Last evaluated: 2018-06-18. Review status: criteria provided, single submitter. Criteria: Invitae Variant Classification Sherloc (09022015). Collection method: clinical testing. Allele origin: germline.

NM_005845.5(ABCC4):c.1492A>G (p.Lys498Glu)

Gene: ABCC4 (ATP binding cassette subfamily C member 4 (PEL blood group); minus strand). Cytogenetic location: 13q32.1.
Variant type: single nucleotide variant.
Coding change: c.1492A>G on transcript NM_005845.5 (MANE Select); coding-DNA position 1492, A replaced by G.
Protein change: p.Lys498Glu; replaces lysine 498 with glutamic acid.
Molecular consequence: missense variant.
Genome position (GRCh38, 1-based): chr13:95,186,754, T>C on the plus strand (A>G on the coding strand, the complement: ABCC4 is on the minus strand). VCF-style: chr13-95186754-T-C. GRCh37 (hg19) VCF-style: chr13-95839008-T-C.
Other names: p.Lys498Glu; c.1492A>G, p.Lys498Glu (NM_001105515.3, NM_001301829.2); c.1267A>G, p.Lys423Glu (NM_001301830.2); short protein forms K498E, K423E.
Identifiers: ClinVar variation 776802 (VCV000776802.4), dbSNP rs11568669, ClinGen allele CA7019517.